The following is an entry in ClinVar:

NM_016042.4(EXOSC3):c.588T>C (p.Asp196=)

Gene: EXOSC3 (exosome component 3; minus strand). Cytogenetic location: 9p13.2.
Variant type: single nucleotide variant.
Coding change: c.588T>C on transcript NM_016042.4 (MANE Select); coding-DNA position 588, T replaced by C.
Protein change: p.Asp196=; no amino-acid change (aspartic acid 196 retained).
Molecular consequence: synonymous variant. On other transcripts: intron variant (1).
Genome position (GRCh38, 1-based): chr9:37,782,024, A>G on the plus strand (T>C on the coding strand, the complement: EXOSC3 is on the minus strand). VCF-style: chr9-37782024-A-G. GRCh37 (hg19) VCF-style: chr9-37782021-A-G.
Other names: c.475-1144T>C (NM_001002269.2).
Identifiers: ClinVar variation 386440 (VCV000386440.77), dbSNP rs147568068, ClinGen allele CA5062721.

ClinVar aggregate classification (germline): Likely benign. Review status: criteria provided, multiple submitters, no conflicts (2 of 4 stars). 5 submissions from 5 submitters: Likely benign (4). 1 of the submissions does not count toward it. Last evaluated 2026-01-24.

Conditions:
EXOSC3-related disorder. Also called: EXOSC3-related condition.
Pontocerebellar hypoplasia type 1B. Also called: EXOSC3 Pontocerebellar Hypoplasia. Identifiers: Orphanet 2254, MedGen C3553449, MONDO:0013853, OMIM 614678.

Allele frequency attached by ClinVar (database versions not stated): 1000 Genomes Project 30x 0.00031; 1000 Genomes Project 0.00040; gnomAD exomes 0.00047 and 0.00119; ExAC 0.00049; TOPMed 0.00053; ESP Exome Variant Server 0.00062; gnomAD 0.00064 and 0.00068.

Submissions (5):

Labcorp Genetics (formerly Invitae), Labcorp
Classification: Likely benign for Pontocerebellar hypoplasia type 1B. Last evaluated: 2026-01-24. Review status: criteria provided, single submitter. Criteria: Invitae Variant Classification Sherloc (09022015). Collection method: clinical testing. Allele origin: germline.

Blueprint Genetics
Classification: Likely benign. Last evaluated: 2024-11-25. Review status: criteria provided, single submitter. Criteria: ACMG Guidelines, 2015. Collection method: clinical testing. Allele origin: germline.

CeGaT Center for Human Genetics Tuebingen
Classification: Likely benign. Last evaluated: 2023-06-01. Review status: criteria provided, single submitter. Criteria: CeGaT Center For Human Genetics Tuebingen Variant Classification Criteria Version 2. Collection method: clinical testing. Allele origin: germline. Affected: yes. Observed: 1 variant allele.
Comment: EXOSC3: BP4, BP7

GeneDx
Classification: Likely benign. Last evaluated: 2020-03-16. Review status: criteria provided, single submitter. Criteria: GeneDx Variant Classification Process June 2021. Collection method: clinical testing. Allele origin: germline. Affected: yes.

PreventionGenetics, part of Exact Sciences
Classification: Likely benign for EXOSC3-related condition. Last evaluated: 2019-06-11. Review status: no assertion criteria provided. Collection method: clinical testing. Allele origin: germline. Not counted in ClinVar's aggregate classification.
Comment: This variant is classified as likely benign based on ACMG/AMP sequence variant interpretation guidelines (Richards et al. 2015 PMID: 25741868, with internal and published modifications).